The following is an entry in ClinVar:

ClinVar aggregate classification (germline): Pathogenic (0 of 4 stars; one submission).

Conditions:
Intellectual developmental disorder, autosomal dominant 55, with seizures. Also called: MENTAL RETARDATION, AUTOSOMAL DOMINANT 55, WITH SEIZURES; Intellectual disability, autosomal dominant 55, with seizures. Identifiers: MedGen C4693371, MONDO:0030921, OMIM 617831.

Submission:

Neurology Department, Shenzhen Children's Hospital
Classification: Pathogenic for Intellectual developmental disorder, autosomal dominant 55, with seizures. Review status: no assertion criteria provided. Collection method: research, in vitro, in vivo. Allele origin: de novo, not applicable. Inheritance: Autosomal dominant inheritance. Affected: yes. Observed: 1 variant allele. Functional consequence: sequence_variant_affecting_splicing.
Comment: Through in vitro and in vivo experiments, we have demonstrated that the pathogenic variant NUS1c.791 + 6T>G leads to splicing abnormalities, resulting in exon 4 skipping in RNA transcripts. Our study strongly indicates that this novel variant of NUS1 is responsible for the development of neurological disorders, including epilepsy.

NM_138459.5(NUS1):c.791+6T>G

Gene: NUS1 (NUS1 dehydrodolichyl diphosphate synthase subunit; plus strand). Cytogenetic location: 6q22.1.
Variant type: single nucleotide variant.
Coding change: c.791+6T>G on transcript NM_138459.5 (MANE Select); 6 bases into the intron after coding-DNA position 791, T replaced by G.
Molecular consequence: intron variant.
Genome position (GRCh38, 1-based): chr6:117,703,710, T>G. VCF-style: chr6-117703710-T-G. GRCh37 (hg19) VCF-style: chr6-118024873-T-G.
Identifiers: ClinVar variation 2505167 (VCV002505167.3), dbSNP rs2482032266, ClinGen allele CA2695198323.